The following is an entry in ClinVar:

NM_152564.5(VPS13B):c.5244dup (p.Val1749fs)

Gene: VPS13B (vacuolar protein sorting 13 homolog B; plus strand). Cytogenetic location: 8q22.2.
Variant type: Duplication.
Coding change: c.5244dup on transcript NM_152564.5 (MANE Select); coding-DNA position 5244, one base duplicated (A; older notation c.5244dupA).
Protein change: p.Val1749fs; shifts the reading frame from valine 1749.
Molecular consequence: frameshift variant.
Genome position (GRCh38, 1-based): chr8:99,641,834, A duplicated; the last of 6 consecutive A bases (chr8:99,641,829-99,641,834); duplicating any one gives the same sequence. VCF-style (leftmost placement, unchanged base first): chr8-99641828-G-GA. GRCh37 (hg19) VCF-style: chr8-100654056-G-GA.
Other names: NM_152564.5(VPS13B):c.5244dup; p.Val1749fs; c.5244dupA (NM_152564.4); c.5319dup, p.Val1774fs (NM_017890.5); c.5319dup (NM_017890.3); short protein forms V1749fs, V1774fs.
Identifiers: ClinVar variation 845268 (VCV000845268.17), dbSNP rs752399634, ClinGen allele CA4823792.

ClinVar aggregate classification (germline): Pathogenic. Review status: criteria provided, multiple submitters, no conflicts (2 of 4 stars). 7 submissions from 7 submitters: Pathogenic (5). 2 of the submissions do not count toward it. Last evaluated 2025-11-07.

Conditions:
Cohen syndrome (COH1). Also called: PEPPER SYNDROME; Cutis verticis gyrata, retinitis pigmentosa, and sensorineural deafness. Identifiers: Orphanet 193, MedGen C0265223, MONDO:0008999, OMIM 216550.
VPS13B-related disorder. Also called: VPS13B-related condition.

Submissions (7):

GeneDx
Classification: Pathogenic. Last evaluated: 2025-11-07. Review status: criteria provided, single submitter. Criteria: GeneDx Variant Classification Process June 2021. Collection method: clinical testing. Allele origin: germline. Affected: yes.
Comment: Frameshift variant predicted to result in protein truncation or nonsense mediated decay in a gene for which loss of function is a known mechanism of disease; Not observed at significant frequency in large population cohorts (gnomAD); This variant is associated with the following publications: (PMID: 26633542, 25533962)

Labcorp Genetics (formerly Invitae), Labcorp
Classification: Pathogenic for Cohen syndrome. Last evaluated: 2024-11-29. Review status: criteria provided, single submitter. Criteria: Invitae Variant Classification Sherloc (09022015). Collection method: clinical testing. Allele origin: germline.
Comment: This sequence change creates a premature translational stop signal (p.Val1774Serfs*5) in the VPS13B gene. It is expected to result in an absent or disrupted protein product. Loss-of-function variants in VPS13B are known to be pathogenic (PMID: 15141358, 16648375, 20461111). This variant is present in population databases (rs752399634, gnomAD 0.005%). This premature translational stop signal has been observed in individual(s) with clinical features of VPS13B-related disease (PMID: 25533962). ClinVar contains an entry for this variant (Variation ID: 845268). For these reasons, this variant has been classified as Pathogenic.

Blueprint Genetics
Classification: Pathogenic for VPS13B-related disorders. Last evaluated: 2024-02-05. Review status: criteria provided, single submitter. Criteria: ACMG Guidelines, 2015. Collection method: clinical testing. Allele origin: germline. Affected: yes. Observed: 5 variant alleles.

Broad Center for Mendelian Genomics, Broad Institute of MIT and Harvard
Classification: Pathogenic for Cohen syndrome. Last evaluated: 2023-05-02. Review status: criteria provided, single submitter. Criteria: ACMG Guidelines, 2015. Collection method: curation. Allele origin: germline. Inheritance: Autosomal recessive inheritance.
Comment: Trio exome analysis revealed that this variant was in trans with a pathogenic variant (ClinVar Variation ID: 2826). The p.Val1774SerfsTer5 variant in VPS13B has been previously reported in 2 unrelated individuals with Cohen syndrome (PMID: 25533962, PMID: 26633542) but has been identified in 0.005% (1/19860) of East Asian chromosomes by the Genome Aggregation Database (gnomAD; dbSNP ID: rs752399634). Although this variant has been seen in the general population in a heterozygous state, its frequency is low enough to be consistent with a recessive carrier frequency. Of these previously reported affected individuals (PMID: 25533962, PMID: 26633542), one was a compound heterozygote who carried a reported pathogenic variant in trans (ClinVar Variation ID: 56683), which increases the likelihood that the p.Val1774SerfsTer5 variant is pathogenic. This variant has also been reported in ClinVar (Variation ID: 845268) and has been interpreted as pathogenic by GeneDx, Invitae, Fulgent Genetics, and Natera, Inc. This variant is predicted to cause a frameshift, which alters the protein‚Äôs amino acid sequence beginning at position 1774 and leads to a premature termination codon 5 amino acids downstream. This alteration is then predicted to lead to a truncated or absent protein. Loss of function of the VPS13B gene is an established disease mechanism in autosomal recessive Cohen syndrome. In summary, this variant meets criteria to be classified as pathogenic for autosomal recessive Cohen syndrome. ACMG/AMP Criteria applied: PVS1, PM2_Supporting, PM3_Strong (Richards 2015).

Fulgent Genetics
Classification: Pathogenic for Cohen syndrome. Last evaluated: 2022-02-14. Review status: criteria provided, single submitter. Criteria: ACMG Guidelines, 2015. Collection method: clinical testing. Allele origin: unknown.

PreventionGenetics, part of Exact Sciences
Classification: Pathogenic for VPS13B-related condition. Last evaluated: 2024-03-13. Review status: no assertion criteria provided. Collection method: clinical testing. Allele origin: germline. Not counted in ClinVar's aggregate classification.
Comment: The VPS13B c.5244dupA variant is predicted to result in a frameshift and premature protein termination (p.Val1749Serfs*5). This variant was reported in the compound heterozygous state in an individual with microcephaly, agenesis of the corpus callosum, severe neonatal hypotonia, high palate, metatarsus adductus, short/broad feet, and paroxysmal dyskinesia (Fitzgerald et al. 2015. PubMed ID: 25533962, supplementary data). This variant is reported in 0.0050% of alleles in individuals of East Asian descent in gnomAD. Frameshift variants in VPS13B are expected to be pathogenic. This variant is interpreted as pathogenic.

Natera, Inc.
Classification: Pathogenic for Cohen syndrome. Last evaluated: 2021-10-06. Review status: no assertion criteria provided. Collection method: clinical testing. Allele origin: germline. Not counted in ClinVar's aggregate classification.

Literature cited by the submitters: PubMed 15141358 (cited by Labcorp Genetics (formerly Invitae), Labcorp); PubMed 16648375 (cited by Labcorp Genetics (formerly Invitae), Labcorp); PubMed 20461111 (cited by Labcorp Genetics (formerly Invitae), Labcorp); PubMed 25533962 (cited by Labcorp Genetics (formerly Invitae), Labcorp).